The following is an entry in ClinVar:

ClinVar aggregate classification (germline): Likely benign (0 of 4 stars; one submission).

Submission:

Leiden Open Variation Database
Classification: Likely benign. Last evaluated: 2012-08-31. Review status: no assertion criteria provided. Collection method: curation. Allele origin: germline. Affected: yes.
Comment: Curator: Arleen D. Auerbach. Submitter to LOVD: Janine Bakker.

Literature cited by the submitters: PubMed 22911665.

NM_032444.4(SLX4):c.4739+31G>A

Gene: SLX4 (SLX4 structure-specific endonuclease subunit; minus strand). Cytogenetic location: 16p13.3.
Variant type: single nucleotide variant.
Coding change: c.4739+31G>A on transcript NM_032444.4 (MANE Select); 31 bases into the intron after coding-DNA position 4739, G replaced by A.
Molecular consequence: intron variant.
Genome position (GRCh38, 1-based): chr16:3,584,738, C>T on the plus strand (G>A on the coding strand, the complement: SLX4 is on the minus strand). VCF-style: chr16-3584738-C-T. GRCh37 (hg19) VCF-style: chr16-3634739-C-T.
Identifiers: ClinVar variation 929613 (VCV000929613.1), dbSNP rs750697497, ClinGen allele CA1139664447.